The following is an entry in ClinVar:

NM_013254.4(TBK1):c.1402T>C (p.Leu468=)

Gene: TBK1 (TANK binding kinase 1; plus strand). Cytogenetic location: 12q14.2.
Variant type: single nucleotide variant.
Coding change: c.1402T>C on transcript NM_013254.4 (MANE Select); coding-DNA position 1402, T replaced by C.
Protein change: p.Leu468=; no amino-acid change (leucine 468 retained).
Molecular consequence: synonymous variant.
Genome position (GRCh38, 1-based): chr12:64,488,548, T>C. VCF-style: chr12-64488548-T-C. GRCh37 (hg19) VCF-style: chr12-64882328-T-C.
Identifiers: ClinVar variation 3067621 (VCV003067621.21), dbSNP rs1275532335, ClinGen allele CA480556139.

ClinVar aggregate classification (germline): Likely benign (1 of 4 stars; one submission).

Allele frequency attached by ClinVar (database versions not stated): gnomAD exomes below 0.00001.
gnomAD v4.1: 2 of 1,606,770 alleles (0.00012%); highest among the groups gnomAD compares: South Asian, 0.0011%; no homozygotes.

Submission:

CeGaT Center for Human Genetics Tuebingen
Classification: Likely benign. Last evaluated: 2024-03-01. Review status: criteria provided, single submitter. Criteria: CeGaT Center For Human Genetics Tuebingen Variant Classification Criteria Version 2. Collection method: clinical testing. Allele origin: germline. Affected: yes. Observed: 1 variant allele.
Comment: TBK1: BP4, BP7